The following is an entry in ClinVar:

ClinVar aggregate classification (germline): Likely pathogenic (1 of 4 stars; one submission).

Conditions:
Charcot-Marie-Tooth disease axonal type 2O. Also called: CHARCOT-MARIE-TOOTH NEUROPATHY, AXONAL, TYPE 2O; CHARCOT-MARIE-TOOTH DISEASE, AXONAL, AUTOSOMAL DOMINANT, TYPE 2O; Charcot-Marie-Tooth Neuropathy Type 2O; Charcot-Marie-Tooth disease, axonal, type 20. Identifiers: Orphanet 284232, MedGen C3280220, MONDO:0013644, OMIM 614228.

Submission:

Labcorp Genetics (formerly Invitae), Labcorp
Classification: Likely pathogenic for Charcot-Marie-Tooth disease axonal type 2O. Last evaluated: 2022-09-19. Review status: criteria provided, single submitter. Criteria: Invitae Variant Classification Sherloc (09022015). Collection method: clinical testing. Allele origin: germline.
Comment: Advanced modeling of protein sequence and biophysical properties (such as structural, functional, and spatial information, amino acid conservation, physicochemical variation, residue mobility, and thermodynamic stability) performed at Invitae indicates that this missense variant is expected to disrupt DYNC1H1 protein function. In summary, the currently available evidence indicates that the variant is pathogenic, but additional data are needed to prove that conclusively. Therefore, this variant has been classified as Likely Pathogenic. This variant disrupts the p.Ile609 amino acid residue in DYNC1H1. Other variant(s) that disrupt this residue have been determined to be pathogenic (PMID: 32947049). This suggests that this residue is clinically significant, and that variants that disrupt this residue are likely to be disease-causing. This variant has not been reported in the literature in individuals affected with DYNC1H1-related conditions. This variant is not present in population databases (gnomAD no frequency). This sequence change replaces isoleucine, which is neutral and non-polar, with valine, which is neutral and non-polar, at codon 609 of the DYNC1H1 protein (p.Ile609Val).

Literature cited by the submitters: PubMed 32947049.

NM_001376.5(DYNC1H1):c.1825A>G (p.Ile609Val)

Gene: DYNC1H1 (dynein cytoplasmic 1 heavy chain 1; plus strand). Cytogenetic location: 14q32.31.
Variant type: single nucleotide variant.
Coding change: c.1825A>G on transcript NM_001376.5 (MANE Select); coding-DNA position 1825, A replaced by G.
Protein change: p.Ile609Val; replaces isoleucine 609 with valine.
Molecular consequence: missense variant.
Genome position (GRCh38, 1-based): chr14:101,986,050, A>G. VCF-style: chr14-101986050-A-G. GRCh37 (hg19) VCF-style: chr14-102452387-A-G.
Other names: short protein forms I609V.
Identifiers: ClinVar variation 2194803 (VCV002194803.4), dbSNP rs2503693934, ClinGen allele CA391019436.
Genomic context (GRCh38, chr14:101,986,050, plus strand): 5'-AATGCACTGTTTGTCAGGCCTCACATCCGTGGGGCCATTCGCGAATACCAGACCCAGCTG[A>G]TCCAGCGCGTGAAAGATGACATTGAGTCTCTTCACGACAAGTTCAAGGTCCAGTACCCAC-3'
Protein context (NP_001367.2, residues 599-619): GAIREYQTQL[Ile609Val]QRVKDDIESL